The following is an entry in ClinVar:

NM_031935.3(HMCN1):c.11155C>T (p.Pro3719Ser)

Gene: HMCN1 (hemicentin 1; plus strand). Cytogenetic location: 1q31.1.
Variant type: single nucleotide variant.
Coding change: c.11155C>T on transcript NM_031935.3 (MANE Select); coding-DNA position 11155, C replaced by T.
Protein change: p.Pro3719Ser; replaces proline 3719 with serine.
Molecular consequence: missense variant.
Genome position (GRCh38, 1-based): chr1:186,114,002, C>T. VCF-style: chr1-186114002-C-T. GRCh37 (hg19) VCF-style: chr1-186083134-C-T.
Other names: short protein forms P3719S.
Identifiers: ClinVar variation 3609036 (VCV003609036.2).

ClinVar aggregate classification (germline): Uncertain significance (1 of 4 stars; one submission).

Submission:

Labcorp Genetics (formerly Invitae), Labcorp
Classification: Uncertain significance. Last evaluated: 2024-05-28. Review status: criteria provided, single submitter. Criteria: Invitae Variant Classification Sherloc (09022015). Collection method: clinical testing. Allele origin: germline.
Comment: This sequence change replaces proline, which is neutral and non-polar, with serine, which is neutral and polar, at codon 3719 of the HMCN1 protein (p.Pro3719Ser). This variant is not present in population databases (gnomAD no frequency). This variant has not been reported in the literature in individuals affected with HMCN1-related conditions. Algorithms developed to predict the effect of missense changes on protein structure and function output the following: SIFT: "Not Available"; PolyPhen-2: "Benign"; Align-GVGD: "Not Available". The serine amino acid residue is found in multiple mammalian species, which suggests that this missense change does not adversely affect protein function. In summary, the available evidence is currently insufficient to determine the role of this variant in disease. Therefore, it has been classified as a Variant of Uncertain Significance.